The following is an entry in ClinVar:

NM_053025.4(MYLK):c.593A>G (p.Asn198Ser)

Gene: MYLK (myosin light chain kinase; minus strand). Cytogenetic location: 3q21.1.
Variant type: single nucleotide variant.
Coding change: c.593A>G on transcript NM_053025.4 (MANE Select); coding-DNA position 593, A replaced by G.
Protein change: p.Asn198Ser; replaces asparagine 198 with serine.
Molecular consequence: missense variant.
Genome position (GRCh38, 1-based): chr3:123,737,539, T>C on the plus strand (A>G on the coding strand, the complement: MYLK is on the minus strand). VCF-style: chr3-123737539-T-C. GRCh37 (hg19) VCF-style: chr3-123456386-T-C.
Other names: p.Asn198Ser; c.65A>G, p.Asn22Ser (NM_001321309.2); c.593A>G, p.Asn198Ser (NM_053026.4, NM_053027.4, NM_053028.4); short protein forms N198S, N22S.
Identifiers: ClinVar variation 241764 (VCV000241764.20), dbSNP rs201835018, ClinGen allele CA073339.

ClinVar aggregate classification (germline): Likely benign. Review status: criteria provided, multiple submitters, no conflicts (2 of 4 stars). 7 submissions from 7 submitters: Likely benign (7). Last evaluated 2025-12-04.

Conditions:
Connective tissue disorder. Also called: Connective tissue disease. Identifiers: MedGen C0009782, MONDO:0003900.
Aortic aneurysm, familial thoracic 7 (AAT7). Also called: AORTIC DISSECTION, FAMILIAL, WITH OR WITHOUT AORTIC ANEURYSM. Identifiers: MedGen C3151077, MONDO:0013418, OMIM 613780.
Familial thoracic aortic aneurysm and aortic dissection (TAAD). Also called: Thoracic aortic aneurysms and dissections. Identifiers: Orphanet 91387, MedGen C4707243, MONDO:0019625.

Allele frequency attached by ClinVar (database versions not stated): gnomAD 0.00001; gnomAD exomes 0.00003 and 0.00008; TOPMed 0.00003; ExAC 0.00008.
gnomAD v4.1: 51 of 1,614,032 alleles (0.0032%); highest among the groups gnomAD compares: Middle Eastern, 0.016%; no homozygotes.

Submissions (7):

Labcorp Genetics (formerly Invitae), Labcorp
Classification: Likely benign for Aortic aneurysm, familial thoracic 7. Last evaluated: 2025-12-04. Review status: criteria provided, single submitter. Criteria: Invitae Variant Classification Sherloc (09022015). Collection method: clinical testing. Allele origin: germline.

Mayo Clinic Laboratories, Mayo Clinic
Classification: Likely benign. Last evaluated: 2025-04-07. Review status: criteria provided, single submitter. Criteria: ACMG Guidelines, 2015. Collection method: clinical testing. Allele origin: germline. Observed: 1 variant allele.
Comment: BS1, BS4_moderate

Ambry Genetics
Classification: Likely benign for Familial thoracic aortic aneurysm and aortic dissection. Last evaluated: 2024-12-06. Review status: criteria provided, single submitter. Criteria: Ambry Variant Classification Scheme 2023. Collection method: clinical testing. Allele origin: germline.

Women's Health and Genetics/Laboratory Corporation of America, LabCorp
Classification: Likely benign. Last evaluated: 2023-06-10. Review status: criteria provided, single submitter. Criteria: LabCorp Variant Classification Summary - May 2015. Collection method: clinical testing. Allele origin: germline.

CHEO Genetics Diagnostic Laboratory, Children's Hospital of Eastern Ontario
Classification: Likely benign for Familial thoracic aortic aneurysm and aortic dissection. Last evaluated: 2021-05-03. Review status: criteria provided, single submitter. Criteria: ACMG Guidelines, 2015. Collection method: clinical testing. Allele origin: germline.

GeneDx
Classification: Likely benign. Last evaluated: 2019-06-06. Review status: criteria provided, single submitter. Criteria: GeneDx Variant Classification Process June 2021. Collection method: clinical testing. Allele origin: germline. Affected: yes.

Center for Human Genetics, Inc
Classification: Likely benign for Connective tissue disorder. Last evaluated: 2016-11-01. Review status: criteria provided, single submitter. Criteria: ACMG Guidelines, 2015. Collection method: clinical testing. Allele origin: germline. Affected: yes.